The following is an entry in ClinVar:

NM_001288705.3(CSF1R):c.1178C>A (p.Thr393Lys)

Gene: CSF1R (colony stimulating factor 1 receptor; minus strand). Cytogenetic location: 5q32.
Variant type: single nucleotide variant.
Coding change: c.1178C>A on transcript NM_001288705.3 (MANE Select); coding-DNA position 1178, C replaced by A.
Protein change: p.Thr393Lys; replaces threonine 393 with lysine.
Molecular consequence: missense variant. On other transcripts: non-coding transcript variant (2).
Genome position (GRCh38, 1-based): chr5:150,070,476, G>T on the plus strand (C>A on the coding strand, the complement: CSF1R is on the minus strand). VCF-style: chr5-150070476-G-T. GRCh37 (hg19) VCF-style: chr5-149450039-G-T.
Other names: c.1178C>A, p.Thr393Lys (NM_001349736.2, NM_001375320.1, NM_005211.4); c.734C>A, p.Thr245Lys (NM_001375321.1); short protein forms T245K, T393K.
Identifiers: ClinVar variation 4801559 (VCV004801559.1).
Genomic context (GRCh38, chr5:150,070,476, plus strand): 5'-AGGGCCTCCGCCCCAGGTGGCGCTCGGCCCCAGCACTCACATCGAAGGGTGAGCTCAAAC[G>T]TCAGAGCTCTCCAGCCTCCTGGGTTTCTGGCCAGGAAGGAGTAGCGGCCAGCCTCAGAGG-3'
Protein context (NP_001275634.1, residues 383-403): ARNPGGWRAL[Thr393Lys]FELTLRYPPE

ClinVar aggregate classification (germline): Uncertain significance (1 of 4 stars; one submission).

Submission:

Labcorp Genetics (formerly Invitae), Labcorp
Classification: Uncertain significance. Last evaluated: 2025-10-02. Review status: criteria provided, single submitter. Criteria: Invitae Variant Classification Sherloc (09022015). Collection method: clinical testing. Allele origin: germline.
Comment: This sequence change replaces threonine, which is neutral and polar, with lysine, which is basic and polar, at codon 393 of the CSF1R protein (p.Thr393Lys). This variant is not present in population databases (gnomAD no frequency). This variant has not been reported in the literature in individuals affected with CSF1R-related conditions. Invitae Evidence Modeling of protein sequence and biophysical properties (such as structural, functional, and spatial information, amino acid conservation, physicochemical variation, residue mobility, and thermodynamic stability) indicates that this missense variant is not expected to disrupt CSF1R protein function with a negative predictive value of 95%. In summary, the available evidence is currently insufficient to determine the role of this variant in disease. Therefore, it has been classified as a Variant of Uncertain Significance.